The following is an entry in ClinVar:

NM_003119.4(SPG7):c.1372G>A (p.Ala458Thr)

Gene: SPG7 (SPG7 matrix AAA peptidase subunit, paraplegin; plus strand). Cytogenetic location: 16q24.3.
Variant type: single nucleotide variant.
Coding change: c.1372G>A on transcript NM_003119.4 (MANE Select); coding-DNA position 1372, G replaced by A.
Protein change: p.Ala458Thr; replaces alanine 458 with threonine.
Molecular consequence: missense variant.
Genome position (GRCh38, 1-based): chr16:89,544,695, G>A. VCF-style: chr16-89544695-G-A. GRCh37 (hg19) VCF-style: chr16-89611103-G-A.
Other names: c.1372G>A, p.Ala458Thr (NM_001363850.1); short protein forms A458T.
Identifiers: ClinVar variation 4773853 (VCV004773853.1).

ClinVar aggregate classification (germline): Uncertain significance (1 of 4 stars; one submission).

Conditions:
Hereditary spastic paraplegia 7 (SPG7). Also called: SPASTIC PARAPLEGIA 7, AUTOSOMAL RECESSIVE, WITH OR WITHOUT CEREBELLAR ATAXIA; SPG7-related neurologic disorder; Spastic paraplegia 7; Hereditary spastic paraplegia Paraplegin type; Autosomal recessive spastic paraplegia type 7. Identifiers: Orphanet 99013, MedGen C1846564, MONDO:0011803, OMIM 607259.

Submission:

Labcorp Genetics (formerly Invitae), Labcorp
Classification: Uncertain significance for Hereditary spastic paraplegia 7. Last evaluated: 2025-11-06. Review status: criteria provided, single submitter. Criteria: Invitae Variant Classification Sherloc (09022015). Collection method: clinical testing. Allele origin: germline.
Comment: This sequence change replaces alanine, which is neutral and non-polar, with threonine, which is neutral and polar, at codon 458 of the SPG7 protein (p.Ala458Thr). This variant is not present in population databases (gnomAD no frequency). This variant has not been reported in the literature in individuals affected with SPG7-related conditions. Invitae Evidence Modeling of protein sequence and biophysical properties (such as structural, functional, and spatial information, amino acid conservation, physicochemical variation, residue mobility, and thermodynamic stability) has been performed for this missense variant. However, the output from this modeling did not meet the statistical confidence thresholds required to predict the impact of this variant on SPG7 protein function. In summary, the available evidence is currently insufficient to determine the role of this variant in disease. Therefore, it has been classified as a Variant of Uncertain Significance.